The following is an entry in ClinVar:

ClinVar aggregate classification (germline): Uncertain significance (1 of 4 stars; one submission).

Conditions:
Inborn genetic diseases. Identifiers: MedGen C0950123, MeSH D030342.

Submission:

Ambry Genetics
Classification: Uncertain significance for Inborn genetic diseases. Last evaluated: 2025-01-23. Review status: criteria provided, single submitter. Criteria: Ambry Variant Classification Scheme 2023. Collection method: clinical testing. Allele origin: germline.
Comment: The p.G452R variant (also known as c.1354G>A), located in coding exon 12 of the ASXL1 gene, results from a G to A substitution at nucleotide position 1354. The glycine at codon 452 is replaced by arginine, an amino acid with dissimilar properties. This amino acid position is conserved. In addition, this alteration is predicted to be tolerated by in silico analysis. Based on the available evidence, the clinical significance of this variant remains unclear.

NM_015338.6(ASXL1):c.1354G>A (p.Gly452Arg)

Gene: ASXL1 (ASXL transcriptional regulator 1; plus strand). Cytogenetic location: 20q11.21.
Variant type: single nucleotide variant.
Coding change: c.1354G>A on transcript NM_015338.6 (MANE Select); coding-DNA position 1354, G replaced by A.
Protein change: p.Gly452Arg; replaces glycine 452 with arginine.
Molecular consequence: missense variant.
Genome position (GRCh38, 1-based): chr20:32,433,552, G>A. VCF-style: chr20-32433552-G-A. GRCh37 (hg19) VCF-style: chr20-31021355-G-A.
Other names: c.1171G>A, p.Gly391Arg (NM_001363734.1); short protein forms G452R, G391R.
Identifiers: ClinVar variation 3792692 (VCV003792692.1).